The following is an entry in ClinVar:

ClinVar aggregate classification (germline): Pathogenic. Review status: criteria provided, multiple submitters, no conflicts (2 of 4 stars). 3 submissions from 3 submitters: Pathogenic (3). Last evaluated 2024-04-12.

Conditions:
Familial cancer of breast. Also called: BREAST CANCER, FAMILIAL; hereditary breast carcinoma; Hereditary breast cancer. Identifiers: Orphanet 227535, MedGen C0346153, MONDO:0016419, OMIM 114480. Disease mechanism: loss of function.
Hereditary cancer-predisposing syndrome. Also called: Neoplastic Syndromes, Hereditary; Hereditary neoplastic syndrome; Tumor predisposition; Hereditary Cancer Syndrome. Identifiers: Orphanet 140162, MedGen C0027672, MeSH D009386, MONDO:0015356.
Ataxia-telangiectasia syndrome (AT). Also called: Ataxia-telangiectasia, complementation group E; Ataxia telangiectasia (A-T); LOUIS-BAR SYNDROME; Ataxia-telangiectasia, complementation group D; AT, COMPLEMENTATION GROUP C; Ataxia-telangiectasia. Identifiers: Orphanet 100, MedGen C0004135, MONDO:0008840, OMIM 208900.

Submissions (3):

Ambry Genetics
Classification: Pathogenic for Hereditary cancer-predisposing syndrome. Last evaluated: 2024-04-12. Review status: criteria provided, single submitter. Criteria: Ambry Variant Classification Scheme 2023. Collection method: clinical testing. Allele origin: germline.
Comment: The c.621delC pathogenic mutation, located in coding exon 5 of the ATM gene, results from a deletion of one nucleotide at nucleotide position 621, causing a translational frameshift with a predicted alternate stop codon (p.K208Nfs*22). This variant is considered to be rare based on population cohorts in the Genome Aggregation Database (gnomAD). This alteration is expected to result in loss of function by premature protein truncation or nonsense-mediated mRNA decay. As such, this alteration is interpreted as a disease-causing mutation.

Myriad Genetics, Inc.
Classification: Pathogenic for Familial cancer of breast. Last evaluated: 2024-01-09. Review status: criteria provided, single submitter. Criteria: Myriad Autosomal Dominant, Autosomal Recessive and X-Linked Classification Criteria (2023). Collection method: clinical testing. Allele origin: unknown.
Comment: This variant is considered pathogenic. This variant creates a frameshift predicted to result in premature protein truncation.

Labcorp Genetics (formerly Invitae), Labcorp
Classification: Pathogenic for Ataxia-telangiectasia syndrome. Last evaluated: 2019-12-13. Review status: criteria provided, single submitter. Criteria: Invitae Variant Classification Sherloc (09022015). Collection method: clinical testing. Allele origin: germline.
Comment: Loss-of-function variants in ATM are known to be pathogenic (PMID: 23807571, 25614872). This variant has not been reported in the literature in individuals with ATM-related conditions. This variant is not present in population databases (ExAC no frequency). This sequence change creates a premature translational stop signal (p.Lys208Asnfs*22) in the ATM gene. It is expected to result in an absent or disrupted protein product. For these reasons, this variant has been classified as Pathogenic.

Literature cited by the submitters: PubMed 23807571 (cited by Labcorp Genetics (formerly Invitae), Labcorp); PubMed 25614872 (cited by Labcorp Genetics (formerly Invitae), Labcorp).

NM_000051.4(ATM):c.621del (p.Lys208fs)

Gene: ATM (ATM serine/threonine kinase; plus strand). Cytogenetic location: 11q22.3.
Variant type: Deletion.
Coding change: c.621del on transcript NM_000051.4 (MANE Select); coding-DNA position 621, one base deleted (C; older notation c.621delC).
Protein change: p.Lys208fs; shifts the reading frame from lysine 208.
Molecular consequence: frameshift variant.
Genome position (GRCh38, 1-based): chr11:108,244,077, C deleted; the last of 2 consecutive C bases (chr11:108,244,076-108,244,077); deleting either gives the same sequence. VCF-style (leftmost placement, unchanged base first): chr11-108244075-TC-T. GRCh37 (hg19) VCF-style: chr11-108114802-TC-T.
Other names: c.621del, p.Lys208fs (NM_001351834.2); c.621delC (NM_000051.3); short protein forms K208fs.
Identifiers: ClinVar variation 835277 (VCV000835277.10), dbSNP rs2079706212, ClinGen allele CA916080465.